The following is an entry in ClinVar:

ClinVar aggregate classification (germline): Uncertain significance. Review status: criteria provided, multiple submitters, no conflicts (2 of 4 stars). 2 submissions from 2 submitters: Uncertain significance (2). Last evaluated 2023-09-08.

Conditions:
Kabuki syndrome. Also called: NIIKAWA-KUROKI SYNDROME; Kabuki make-up syndrome. Identifiers: Orphanet 2322, MedGen C0796004, MONDO:0016512.

Allele frequency attached by ClinVar (database versions not stated): gnomAD exomes below 0.00001; TOPMed below 0.00001.
gnomAD v4.1: 2 of 1,613,290 alleles (0.00012%); highest among the groups gnomAD compares: African/African-American, 0.0013%; no homozygotes.

Submissions (2):

Labcorp Genetics (formerly Invitae), Labcorp
Classification: Uncertain significance for Kabuki syndrome. Last evaluated: 2023-09-08. Review status: criteria provided, single submitter. Criteria: Invitae Variant Classification Sherloc (09022015). Collection method: clinical testing. Allele origin: germline.
Comment: In summary, the available evidence is currently insufficient to determine the role of this variant in disease. Therefore, it has been classified as a Variant of Uncertain Significance. Advanced modeling of protein sequence and biophysical properties (such as structural, functional, and spatial information, amino acid conservation, physicochemical variation, residue mobility, and thermodynamic stability) performed at Invitae indicates that this missense variant is not expected to disrupt KMT2D protein function. This variant has not been reported in the literature in individuals affected with KMT2D-related conditions. This variant is not present in population databases (gnomAD no frequency). This sequence change replaces serine, which is neutral and polar, with cysteine, which is neutral and slightly polar, at codon 3456 of the KMT2D protein (p.Ser3456Cys).

CeGaT Center for Human Genetics Tuebingen
Classification: Uncertain significance. Last evaluated: 2022-09-01. Review status: criteria provided, single submitter. Criteria: CeGaT Center For Human Genetics Tuebingen Variant Classification Criteria Version 2. Collection method: clinical testing. Allele origin: germline. Affected: yes. Observed: 1 variant allele.
Comment: KMT2D: PM2, PP2

NM_003482.4(KMT2D):c.10367C>G (p.Ser3456Cys)

Gene: KMT2D (lysine methyltransferase 2D; minus strand). Cytogenetic location: 12q13.12.
Variant type: single nucleotide variant.
Coding change: c.10367C>G on transcript NM_003482.4 (MANE Select); coding-DNA position 10367, C replaced by G.
Protein change: p.Ser3456Cys; replaces serine 3456 with cysteine.
Molecular consequence: missense variant.
Genome position (GRCh38, 1-based): chr12:49,034,655, G>C on the plus strand (C>G on the coding strand, the complement: KMT2D is on the minus strand). VCF-style: chr12-49034655-G-C. GRCh37 (hg19) VCF-style: chr12-49428438-G-C.
Other names: short protein forms S3456C.
Identifiers: ClinVar variation 2642944 (VCV002642944.27), dbSNP rs1943129397, ClinGen allele CA384729320.